The following is an entry in ClinVar:

NM_001177693.2(ARHGEF28):c.1952A>G (p.Asn651Ser)

Gene: ARHGEF28 (Rho guanine nucleotide exchange factor 28; plus strand). Cytogenetic location: 5q13.2.
Variant type: single nucleotide variant.
Coding change: c.1952A>G on transcript NM_001177693.2 (MANE Select); coding-DNA position 1952, A replaced by G.
Protein change: p.Asn651Ser; replaces asparagine 651 with serine.
Molecular consequence: missense variant.
Genome position (GRCh38, 1-based): chr5:73,858,124, A>G. VCF-style: chr5-73858124-A-G. GRCh37 (hg19) VCF-style: chr5-73153949-A-G.
Other names: c.1952A>G, p.Asn651Ser (NM_001080479.3, NM_001388078.1); c.1013A>G, p.Asn338Ser (NM_001244364.2); c.1658A>G, p.Asn553Ser (NM_001388076.1); short protein forms N338S, N651S, N553S.
Identifiers: ClinVar variation 735254 (VCV000735254.29), dbSNP rs187509753, ClinGen allele CA3304692.

ClinVar aggregate classification (germline): Benign/Likely benign. Review status: criteria provided, multiple submitters, no conflicts (2 of 4 stars). 3 submissions from 3 submitters: Benign (2); Likely benign (1). Last evaluated 2023-12-01.

Allele frequency attached by ClinVar (database versions not stated): 1000 Genomes Project 0.00060; 1000 Genomes Project 30x 0.00094; ESP Exome Variant Server 0.00241; TOPMed 0.00304; ExAC 0.00414; gnomAD 0.00462 and 0.00488; gnomAD exomes 0.00475 and 0.00479.
gnomAD v4.1: 7,572 of 1,612,330 alleles (0.47%); highest among the groups gnomAD compares: Non-Finnish European, 0.47%; 30 homozygotes.

Submissions (3):

CeGaT Center for Human Genetics Tuebingen
Classification: Likely benign. Last evaluated: 2023-12-01. Review status: criteria provided, single submitter. Criteria: CeGaT Center For Human Genetics Tuebingen Variant Classification Criteria Version 2. Collection method: clinical testing. Allele origin: germline. Affected: yes. Observed: 3 variant alleles.
Comment: ARHGEF28: BP4, BS2

Labcorp Genetics (formerly Invitae), Labcorp
Classification: Benign. Last evaluated: 2019-12-31. Review status: criteria provided, single submitter. Criteria: Invitae Variant Classification Sherloc (09022015). Collection method: clinical testing. Allele origin: germline.

Breakthrough Genomics
Classification: Benign. Review status: criteria provided, single submitter. Criteria: ACMG Guidelines, 2015. Collection method: not provided. Allele origin: germline. Inheritance: Unknown mechanism. Affected: yes.